The following is an entry in ClinVar:

NM_024675.4(PALB2):c.2194_2200del (p.Gly732fs)

Gene: PALB2 (partner and localizer of BRCA2; minus strand). Cytogenetic location: 16p12.2.
Variant type: Deletion.
Coding change: c.2194_2200del on transcript NM_024675.4 (MANE Select); coding-DNA positions 2194 to 2200, 7 bases deleted (GGTACTA; older notation c.2194_2200delGGTACTA).
Protein change: p.Gly732fs; shifts the reading frame from glycine 732.
Molecular consequence: frameshift variant.
Genome position (GRCh38, 1-based): chr16:23,629,954-23,629,960, TAGTACC deleted on the plus strand (GGTACTA on the coding strand, the reverse complement: PALB2 is on the minus strand); deleting any 7 consecutive bases within chr16:23,629,954-23,629,962 gives the same sequence; the c. name uses the placement nearest the transcript's 3' end. VCF-style (leftmost placement, unchanged base first): chr16-23629953-GTAGTACC-G. GRCh37 (hg19) VCF-style: chr16-23641274-GTAGTACC-G.
Other names: c.2194_2200delGGTACTA (NM_024675.3); short protein forms G732fs.
Identifiers: ClinVar variation 486005 (VCV000486005.6), dbSNP rs1555460457, ClinGen allele CA658658407.

ClinVar aggregate classification (germline): Pathogenic. Review status: criteria provided, multiple submitters, no conflicts (2 of 4 stars). 2 submissions from 2 submitters: Pathogenic (2). Last evaluated 2023-09-12.

Conditions:
Hereditary cancer-predisposing syndrome. Also called: Tumor predisposition; Hereditary Cancer Syndrome; Hereditary neoplastic syndrome; Neoplastic Syndromes, Hereditary. Identifiers: Orphanet 140162, MedGen C0027672, MeSH D009386, MONDO:0015356.
Familial cancer of breast. Also called: hereditary breast carcinoma; BREAST CANCER, FAMILIAL; Hereditary breast cancer. Identifiers: Orphanet 227535, MedGen C0346153, MONDO:0016419, OMIM 114480. Disease mechanism: loss of function.

Submissions (2):

Myriad Genetics, Inc.
Classification: Pathogenic for Familial cancer of breast. Last evaluated: 2023-09-12. Review status: criteria provided, single submitter. Criteria: Myriad Autosomal Dominant, Autosomal Recessive and X-Linked Classification Criteria (2023). Collection method: clinical testing. Allele origin: unknown.
Comment: This variant is considered pathogenic. This variant creates a frameshift predicted to result in premature protein truncation.

Ambry Genetics
Classification: Pathogenic for Hereditary cancer-predisposing syndrome. Last evaluated: 2022-03-01. Review status: criteria provided, single submitter. Criteria: Ambry Variant Classification Scheme 2023. Collection method: clinical testing. Allele origin: germline.
Comment: The c.2194_2200delGGTACTA pathogenic mutation, located in coding exon 5 of the PALB2 gene, results from a deletion of 7 nucleotides at nucleotide positions 2194 to 2200, causing a translational frameshift with a predicted alternate stop codon (p.G732Lfs*30). This alteration is expected to result in loss of function by premature protein truncation or nonsense-mediated mRNA decay. As such, this alteration is interpreted as a disease-causing mutation.